The following is an entry in ClinVar:

ClinVar aggregate classification (germline): Uncertain significance (1 of 4 stars; one submission).

Conditions:
Perlman syndrome (PRLMNS). Identifiers: Orphanet 2849, MedGen C0796113, MONDO:0009965, OMIM 267000.

Allele frequency attached by ClinVar (database versions not stated): TOPMed below 0.00001; gnomAD 0.00001.
gnomAD v4.1: 1 of 1,613,816 alleles (0.000062%); highest among the groups gnomAD compares: Non-Finnish European, 0.000085%; no homozygotes.

Submission:

Labcorp Genetics (formerly Invitae), Labcorp
Classification: Uncertain significance for Perlman syndrome. Last evaluated: 2021-08-31. Review status: criteria provided, single submitter. Criteria: Invitae Variant Classification Sherloc (09022015). Collection method: clinical testing. Allele origin: germline.
Comment: Algorithms developed to predict the effect of missense changes on protein structure and function output the following: SIFT: "Tolerated"; PolyPhen-2: "Benign"; Align-GVGD: "Class C0". The alanine amino acid residue is found in multiple mammalian species, suggesting that this missense change does not adversely affect protein function. These predictions have not been confirmed by published functional studies and their clinical significance is uncertain. This variant has not been reported in the literature in individuals with DIS3L2-related conditions. This variant is not present in population databases (ExAC no frequency). This sequence change replaces threonine with alanine at codon 133 of the DIS3L2 protein (p.Thr133Ala). The threonine residue is weakly conserved and there is a small physicochemical difference between threonine and alanine. In summary, the available evidence is currently insufficient to determine the role of this variant in disease. Therefore, it has been classified as a Variant of Uncertain Significance.

NM_152383.5(DIS3L2):c.397A>G (p.Thr133Ala)

Gene: DIS3L2 (DIS3 like 3'-5' exoribonuclease 2; plus strand). Cytogenetic location: 2q37.1.
Variant type: single nucleotide variant.
Coding change: c.397A>G on transcript NM_152383.5 (MANE Select); coding-DNA position 397, A replaced by G.
Protein change: p.Thr133Ala; replaces threonine 133 with alanine.
Molecular consequence: missense variant. On other transcripts: non-coding transcript variant (2).
Genome position (GRCh38, 1-based): chr2:232,087,517, A>G. VCF-style: chr2-232087517-A-G. GRCh37 (hg19) VCF-style: chr2-232952227-A-G.
Other names: c.397A>G, p.Thr133Ala (NM_001257281.2, NM_001257282.2); short protein forms T133A.
Identifiers: ClinVar variation 852252 (VCV000852252.9), dbSNP rs1696698209, ClinGen allele CA351154882.